The following is an entry in ClinVar:

NM_024334.3(TMEM43):c.712G>A (p.Asp238Asn)

Gene: TMEM43 (transmembrane protein 43; plus strand). Cytogenetic location: 3p25.1.
Variant type: single nucleotide variant.
Coding change: c.712G>A on transcript NM_024334.3 (MANE Select); coding-DNA position 712, G replaced by A.
Protein change: p.Asp238Asn; replaces aspartic acid 238 with asparagine.
Molecular consequence: missense variant.
Genome position (GRCh38, 1-based): chr3:14,135,164, G>A. VCF-style: chr3-14135164-G-A. GRCh37 (hg19) VCF-style: chr3-14176664-G-A.
Other names: short protein forms D238N.
Identifiers: ClinVar variation 1495244 (VCV001495244.8), dbSNP rs2124991270, ClinGen allele CA351535708.

ClinVar aggregate classification (germline): Uncertain significance (1 of 4 stars; one submission).

Conditions:
Arrhythmogenic right ventricular dysplasia 5. Also called: ARRHYTHMOGENIC RIGHT VENTRICULAR DYSPLASIA, FAMILIAL, 5; Arrhythmogenic Right Ventricular Dysplasia/Cardiomyopathy 5. Identifiers: MedGen C1858379, MONDO:0011459, OMIM 604400.

Allele frequency attached by ClinVar (database versions not stated): gnomAD exomes below 0.00001.

Submission:

Labcorp Genetics (formerly Invitae), Labcorp
Classification: Uncertain significance for Arrhythmogenic right ventricular dysplasia 5. Last evaluated: 2020-12-20. Review status: criteria provided, single submitter. Criteria: Invitae Variant Classification Sherloc (09022015). Collection method: clinical testing. Allele origin: germline.
Comment: This sequence change replaces aspartic acid with asparagine at codon 238 of the TMEM43 protein (p.Asp238Asn). The aspartic acid residue is highly conserved and there is a small physicochemical difference between aspartic acid and asparagine. This variant is not present in population databases (ExAC no frequency). This variant has not been reported in the literature in individuals with TMEM43-related conditions. Algorithms developed to predict the effect of missense changes on protein structure and function are either unavailable or do not agree on the potential impact of this missense change (SIFT: "Deleterious"; PolyPhen-2: "Probably Damaging"; Align-GVGD: "Class C0"). In summary, the available evidence is currently insufficient to determine the role of this variant in disease. Therefore, it has been classified as a Variant of Uncertain Significance.